The following is an entry in ClinVar:

ClinVar aggregate classification (germline): Uncertain significance (1 of 4 stars; one submission).

gnomAD v4.1: 11 of 1,613,056 alleles (0.00068%); highest among the groups gnomAD compares: Non-Finnish European, 0.00093%; no homozygotes.

Submission:

Mayo Clinic Laboratories, Mayo Clinic
Classification: Uncertain significance. Last evaluated: 2025-11-14. Review status: criteria provided, single submitter. Criteria: ACMG Guidelines, 2015. Collection method: clinical testing. Allele origin: germline. Observed: 1 variant allele.
Comment: BP4_moderate, PM2_supporting, PM5_supporting

NM_002582.4(PARN):c.38A>G (p.His13Arg)

Gene: PARN (poly(A)-specific ribonuclease; minus strand). Cytogenetic location: 16p13.12.
Variant type: single nucleotide variant.
Coding change: c.38A>G on transcript NM_002582.4 (MANE Select); coding-DNA position 38, A replaced by G.
Protein change: p.His13Arg; replaces histidine 13 with arginine.
Molecular consequence: missense variant. On other transcripts: 5 prime UTR variant (1).
Genome position (GRCh38, 1-based): chr16:14,629,656, T>C on the plus strand (A>G on the coding strand, the complement: PARN is on the minus strand). VCF-style: chr16-14629656-T-C. GRCh37 (hg19) VCF-style: chr16-14723513-T-C.
Other names: p.His13Arg; c.-146A>G (NM_001134477.3); c.38A>G, p.His13Arg (NM_001242992.2); short protein forms H13R.
Identifiers: ClinVar variation 4542014 (VCV004542014.1).